The following is an entry in ClinVar:

NM_001374736.1(DST):c.14293C>G (p.Gln4765Glu)

Genes: DST (dystonin; minus strand), LOC129389544 (MPRA-validated peak5860 silencer; plus strand). Cytogenetic location: 6p12.1.
Variant type: single nucleotide variant.
Coding change: c.14293C>G on transcript NM_001374736.1 (MANE Select); coding-DNA position 14293, C replaced by G.
Protein change: p.Gln4765Glu; replaces glutamine 4765 with glutamic acid.
Molecular consequence: missense variant.
Genome position (GRCh38, 1-based): chr6:56,561,325, G>C on the plus strand (C>G on the coding strand, the complement: DST is on the minus strand). VCF-style: chr6-56561325-G-C. GRCh37 (hg19) VCF-style: chr6-56426123-G-C.
Other names: c.7936C>G, p.Gln2646Glu (NM_001144769.5); c.7522C>G, p.Gln2508Glu (NM_001144770.2); c.14293C>G, p.Gln4765Glu (NM_001374722.1); c.13660C>G, p.Gln4554Glu (NM_001374729.1); c.7402C>G, p.Gln2468Glu (NM_001374730.1, NM_001386100.1, NM_183380.4); c.14320C>G, p.Gln4774Glu (NM_001374734.1); c.6424C>G, p.Gln2142Glu (NM_015548.5); short protein forms Q2142E, Q2468E, Q2508E, Q2646E, Q4554E, Q4765E, Q4774E.
Identifiers: ClinVar variation 3763301 (VCV003763301.2).

ClinVar aggregate classification (germline): Uncertain significance (1 of 4 stars; one submission).

Conditions:
Hereditary sensory and autonomic neuropathy type 6. Also called: Neuropathy, hereditary sensory and autonomic, type VI; HSAN VI. Identifiers: Orphanet 314381, MedGen C3539003, MONDO:0013839, OMIM 614653.
Epidermolysis bullosa simplex 3, localized or generalized intermediate, with BP230 deficiency (EBS3). Also called: Epidermolysis bullosa simplex, autosomal recessive 2; Epidermolysis bullosa simplex due to BP230 deficiency. Identifiers: Orphanet 412181, MedGen C3809470, MONDO:0014180, OMIM 615425.

gnomAD v4.1: 6 of 1,613,088 alleles (0.00037%); highest among the groups gnomAD compares: Admixed American, 0.005%; no homozygotes.

Submission:

Labcorp Genetics (formerly Invitae), Labcorp
Classification: Uncertain significance for Epidermolysis bullosa simplex 3, localized or generalized intermediate, with BP230 deficiency; Hereditary sensory and autonomic neuropathy type 6. Last evaluated: 2025-07-02. Review status: criteria provided, single submitter. Criteria: Invitae Variant Classification Sherloc (09022015). Collection method: clinical testing. Allele origin: germline.
Comment: The DST gene has multiple clinically relevant transcripts. This variant occurs in alternate transcript NM_015548.4, and corresponds to NM_001723.5:c.*54192C>G in the primary transcript. This sequence change replaces glutamine, which is neutral and polar, with glutamic acid, which is acidic and polar, at codon 2142 of the DST protein (p.Gln2142Glu). This variant is present in population databases (rs754231176, gnomAD 0.006%). This variant has not been reported in the literature in individuals affected with DST-related conditions. Experimental studies and prediction algorithms are not available or were not evaluated, and the functional significance of this variant is currently unknown. In summary, the available evidence is currently insufficient to determine the role of this variant in disease. Therefore, it has been classified as a Variant of Uncertain Significance.